The following is an entry in ClinVar:

NM_001134407.3(GRIN2A):c.1204del (p.Asp402fs)

Gene: GRIN2A (glutamate ionotropic receptor NMDA type subunit 2A; minus strand). Cytogenetic location: 16p13.2.
Variant type: Deletion.
Coding change: c.1204del on transcript NM_001134407.3 (MANE Select); coding-DNA position 1204, one base deleted (G; older notation c.1204delG).
Protein change: p.Asp402fs; shifts the reading frame from aspartic acid 402.
Molecular consequence: frameshift variant.
Genome position (GRCh38, 1-based): chr16:9,849,880, C deleted on the plus strand (G on the coding strand, the reverse complement: GRIN2A is on the minus strand); the first of 2 consecutive C bases (chr16:9,849,880-9,849,881); deleting either gives the same sequence. VCF-style (leftmost placement, unchanged base first): chr16-9849879-TC-T. GRCh37 (hg19) VCF-style: chr16-9943736-TC-T.
Other names: c.1204del, p.Asp402fs (NM_001134408.2, NM_000833.5); short protein forms D402fs.
Identifiers: ClinVar variation 948855 (VCV000948855.7), dbSNP rs2042851617, ClinGen allele CA1139664507.

ClinVar aggregate classification (germline): Pathogenic (1 of 4 stars; one submission).

Conditions:
Landau-Kleffner syndrome (FESD). Also called: EPILEPSY, FOCAL, WITH SPEECH DISORDER AND WITH OR WITHOUT MENTAL RETARDATION; APHASIA, ACQUIRED, WITH EPILEPSY. Identifiers: Orphanet 1945, Orphanet 725, Orphanet 98818, MedGen C0282512, MONDO:0009509, OMIM 245570.

Submission:

Labcorp Genetics (formerly Invitae), Labcorp
Classification: Pathogenic for Landau-Kleffner syndrome. Last evaluated: 2023-11-27. Review status: criteria provided, single submitter. Criteria: Invitae Variant Classification Sherloc (09022015). Collection method: clinical testing. Allele origin: germline.
Comment: This sequence change creates a premature translational stop signal (p.Asp402Metfs*21) in the GRIN2A gene. It is expected to result in an absent or disrupted protein product. Loss-of-function variants in GRIN2A are known to be pathogenic (PMID: 23933819, 23933820). This variant is not present in population databases (gnomAD no frequency). This variant has not been reported in the literature in individuals affected with GRIN2A-related conditions. ClinVar contains an entry for this variant (Variation ID: 948855). For these reasons, this variant has been classified as Pathogenic.

Literature cited by the submitters: PubMed 23933819; PubMed 23933820.